The following is an entry in ClinVar:

NM_004168.4(SDHA):c.1387T>C (p.Phe463Leu)

Gene: SDHA (succinate dehydrogenase complex flavoprotein subunit A; plus strand). Cytogenetic location: 5p15.33.
Variant type: single nucleotide variant.
Coding change: c.1387T>C on transcript NM_004168.4 (MANE Select); coding-DNA position 1387, T replaced by C.
Protein change: p.Phe463Leu; replaces phenylalanine 463 with leucine.
Molecular consequence: missense variant.
Genome position (GRCh38, 1-based): chr5:236,554, T>C. VCF-style: chr5-236554-T-C. GRCh37 (hg19) VCF-style: chr5-236669-T-C.
Other names: c.1387T>C (NM_004168.2); c.1243T>C, p.Phe415Leu (NM_001294332.2); c.1387T>C, p.Phe463Leu (NM_001330758.2); short protein forms F463L, F415L.
Identifiers: ClinVar variation 2015871 (VCV002015871.6), dbSNP rs2477376531, ClinGen allele CA359014051.
Genomic context (GRCh38, chr5:236,554, plus strand): 5'-TGTGCCTCGGTACATGGTGCCAACCGCCTCGGGGCAAACTCGCTCTTGGACCTGGTTGTC[T>C]TTGGTCGGGCATGTGCCCTGAGCATCGAAGAGTCATGCAGGCCTGGTAAGTGTTTTCTTC-3'
Protein context (NP_004159.2, residues 453-473): GANSLLDLVV[Phe463Leu]GRACALSIEE

ClinVar aggregate classification (germline): Uncertain significance. Review status: criteria provided, multiple submitters, no conflicts (2 of 4 stars). 2 submissions from 2 submitters: Uncertain significance (2). Last evaluated 2026-02-05.

Conditions:
Pheochromocytoma/paraganglioma syndrome 5. Also called: Paragangliomas 5; SDHA-Related Hereditary Paraganglioma-Pheochromocytoma Syndrome. Identifiers: Orphanet 29072, MedGen C3279992, MONDO:0013602, OMIM 614165.
Mitochondrial complex II deficiency, nuclear type 1. Also called: SUCCINATE CoQ REDUCTASE DEFICIENCY. Identifiers: Orphanet 3208, MedGen C5700310, MONDO:0100294, OMIM 252011.
Hereditary cancer-predisposing syndrome. Also called: Hereditary Cancer Syndrome; Hereditary neoplastic syndrome; Neoplastic Syndromes, Hereditary; Tumor predisposition. Identifiers: Orphanet 140162, MedGen C0027672, MeSH D009386, MONDO:0015356.

Submissions (2):

Ambry Genetics
Classification: Uncertain significance for Hereditary cancer-predisposing syndrome. Last evaluated: 2026-02-05. Review status: criteria provided, single submitter. Criteria: Ambry Variant Classification Scheme 2023. Collection method: clinical testing. Allele origin: germline.
Comment: The p.F463L variant (also known as c.1387T>C), located in coding exon 10 of the SDHA gene, results from a T to C substitution at nucleotide position 1387. The phenylalanine at codon 463 is replaced by leucine, an amino acid with highly similar properties. This amino acid position is conserved. In addition, this alteration is predicted to be deleterious by in silico analysis. Based on the available evidence, the clinical significance of this variant remains unclear.

Labcorp Genetics (formerly Invitae), Labcorp
Classification: Uncertain significance for Pheochromocytoma/paraganglioma syndrome 5; Mitochondrial complex II deficiency, nuclear type 1. Last evaluated: 2022-07-11. Review status: criteria provided, single submitter. Criteria: Invitae Variant Classification Sherloc (09022015). Collection method: clinical testing. Allele origin: germline.
Comment: In summary, the available evidence is currently insufficient to determine the role of this variant in disease. Therefore, it has been classified as a Variant of Uncertain Significance. Algorithms developed to predict the effect of missense changes on protein structure and function (SIFT, PolyPhen-2, Align-GVGD) all suggest that this variant is likely to be tolerated. This variant has not been reported in the literature in individuals affected with SDHA-related conditions. This variant is not present in population databases (gnomAD no frequency). This sequence change replaces phenylalanine, which is neutral and non-polar, with leucine, which is neutral and non-polar, at codon 463 of the SDHA protein (p.Phe463Leu).